The following is an entry in ClinVar:

NM_001128159.3(VPS53):c.761A>T (p.Gln254Leu)

Gene: VPS53 (VPS53 subunit of GARP complex; minus strand). Cytogenetic location: 17p13.3.
Variant type: single nucleotide variant.
Coding change: c.761A>T on transcript NM_001128159.3 (MANE Select); coding-DNA position 761, A replaced by T.
Protein change: p.Gln254Leu; replaces glutamine 254 with leucine.
Molecular consequence: missense variant.
Genome position (GRCh38, 1-based): chr17:628,158, T>A on the plus strand (A>T on the coding strand, the complement: VPS53 is on the minus strand). VCF-style: chr17-628158-T-A. GRCh37 (hg19) VCF-style: chr17-531398-T-A.
Other names: c.761A>T, p.Gln254Leu (NM_001366253.2); c.167A>T, p.Gln56Leu (NM_001366254.2); c.674A>T, p.Gln225Leu (NM_018289.4); short protein forms Q225L, Q254L, Q56L.
Identifiers: ClinVar variation 3336401 (VCV003336401.1).
Genomic context (GRCh38, chr17:628,158, plus strand): 5'-TCTTGAAAAAGTACCAGATACTCTGACAGATGCTGTTTAATAAACTTTTTGATGATTTCC[T>A]GTTTGATCCTGGGATCTAGAATATTAGCAACCAGACATGCATCTCGTAGAACATTGCTGG-3'
Protein context (NP_001121631.1, residues 244-264): VANILDPRIK[Gln254Leu]EIIKKFIKQH

ClinVar aggregate classification (germline): Uncertain significance (1 of 4 stars; one submission).

gnomAD v4.1: 5 of 1,614,078 alleles (0.00031%); highest among the groups gnomAD compares: East Asian, 0.011%; no homozygotes.

Submission:

Women's Health and Genetics/Laboratory Corporation of America, LabCorp
Classification: Uncertain significance. Last evaluated: 2024-05-24. Review status: criteria provided, single submitter. Criteria: LabCorp Variant Classification Summary - May 2015. Collection method: clinical testing. Allele origin: germline.
Comment: Variant summary: VPS53 c.761A>T (p.Gln254Leu) results in a non-conservative amino acid change located in the vps53, N-terminal domain (IPR007234) of the encoded protein sequence. Three of five in-silico tools predict a damaging effect of the variant on protein function. The variant was absent in 250940 control chromosomes. The available data on variant occurrences in the general population are insufficient to allow any conclusion about variant significance. To our knowledge, no occurrence of c.761A>T in individuals affected with Pontocerebellar Hypoplasia, Type 2E and no experimental evidence demonstrating its impact on protein function have been reported. No submitters have cited clinical-significance assessments for this variant to ClinVar. Based on the evidence outlined above, the variant was classified as uncertain significance.